The following is an entry in ClinVar:

ClinVar aggregate classification (germline): Likely benign. Review status: criteria provided, multiple submitters, no conflicts (2 of 4 stars). 4 submissions from 4 submitters: Likely benign (4). Last evaluated 2025-04-20.

Conditions:
Inborn genetic diseases. Identifiers: MedGen C0950123, MeSH D030342.

Allele frequency attached by ClinVar (database versions not stated): gnomAD exomes below 0.00001; ExAC 0.00002; TOPMed 0.00002; gnomAD 0.00003; ESP Exome Variant Server 0.00008.
gnomAD v4.1: 11 of 1,614,082 alleles (0.00068%); highest among the groups gnomAD compares: African/African-American, 0.0027%; no homozygotes.

Submissions (4):

Ambry Genetics
Classification: Likely benign for Inborn genetic diseases. Last evaluated: 2025-04-20. Review status: criteria provided, single submitter. Criteria: Ambry Variant Classification Scheme 2023. Collection method: clinical testing. Allele origin: germline.

Labcorp Genetics (formerly Invitae), Labcorp
Classification: Likely benign. Last evaluated: 2024-10-17. Review status: criteria provided, single submitter. Criteria: Invitae Variant Classification Sherloc (09022015). Collection method: clinical testing. Allele origin: germline.

CeGaT Center for Human Genetics Tuebingen
Classification: Likely benign. Last evaluated: 2024-09-01. Review status: criteria provided, single submitter. Criteria: CeGaT Center For Human Genetics Tuebingen Variant Classification Criteria Version 2. Collection method: clinical testing. Allele origin: germline. Affected: yes. Observed: 1 variant allele.
Comment: LRP5: BP4, BP7

Blueprint Genetics
Classification: Likely benign. Last evaluated: 2024-01-29. Review status: criteria provided, single submitter. Criteria: ACMG Guidelines, 2015. Collection method: clinical testing. Allele origin: germline.

NM_002335.4(LRP5):c.4134C>T (p.Asp1378=)

Gene: LRP5 (LDL receptor related protein 5; plus strand). Cytogenetic location: 11q13.2.
Variant type: single nucleotide variant.
Coding change: c.4134C>T on transcript NM_002335.4 (MANE Select); coding-DNA position 4134, C replaced by T.
Protein change: p.Asp1378=; no amino-acid change (aspartic acid 1378 retained).
Molecular consequence: synonymous variant.
Genome position (GRCh38, 1-based): chr11:68,438,468, C>T. VCF-style: chr11-68438468-C-T. GRCh37 (hg19) VCF-style: chr11-68205936-C-T.
Other names: c.2391C>T, p.Asp797= (NM_001291902.2); c.4134C>T (NM_002335.2).
Identifiers: ClinVar variation 1959066 (VCV001959066.20), dbSNP rs375358365, ClinGen allele CA6150262.